The following is an entry in ClinVar:

NM_002972.4(SBF1):c.4378T>G (p.Leu1460Val)

Gene: SBF1 (SET binding factor 1; minus strand). Cytogenetic location: 22q13.33.
Variant type: single nucleotide variant.
Coding change: c.4378T>G on transcript NM_002972.4 (MANE Select); coding-DNA position 4378, T replaced by G.
Protein change: p.Leu1460Val; replaces leucine 1460 with valine.
Molecular consequence: missense variant.
Genome position (GRCh38, 1-based): chr22:50,455,400, A>C on the plus strand (T>G on the coding strand, the complement: SBF1 is on the minus strand). VCF-style: chr22-50455400-A-C. GRCh37 (hg19) VCF-style: chr22-50893829-A-C.
Other names: c.4303T>G, p.Leu1435Val (NM_001365819.1); short protein forms L1460V, L1435V.
Identifiers: ClinVar variation 522645 (VCV000522645.8), dbSNP rs1404020990, ClinGen allele CA412195941.

ClinVar aggregate classification (germline): Conflicting classifications of pathogenicity. Review status: criteria provided, conflicting classifications (1 of 4 stars). 2 submissions from 2 submitters: Likely pathogenic (1); Uncertain significance (1). Last evaluated 2022-02-18.

Conditions:
Charcot-Marie-Tooth disease type 4B3. Also called: CHARCOT-MARIE-TOOTH DISEASE, DEMYELINATING, TYPE 4B3; Charcot-Marie-Tooth Neuropathy Type 4B3. Identifiers: Orphanet 363981, MedGen C3695063, MONDO:0014117, OMIM 615284.

Allele frequency attached by ClinVar (database versions not stated): gnomAD exomes below 0.00001 and 0.00001.
gnomAD v4.1: 8 of 1,612,280 alleles (0.0005%); highest among the groups gnomAD compares: Middle Eastern, 0.033%; no homozygotes.

Submissions (2):

Labcorp Genetics (formerly Invitae), Labcorp
Classification: Uncertain significance. Last evaluated: 2022-02-18. Review status: criteria provided, single submitter. Criteria: Invitae Variant Classification Sherloc (09022015). Collection method: clinical testing. Allele origin: germline.
Comment: In summary, the available evidence is currently insufficient to determine the role of this variant in disease. Therefore, it has been classified as a Variant of Uncertain Significance. Algorithms developed to predict the effect of sequence changes on RNA splicing suggest that this variant may disrupt the consensus splice site. Algorithms developed to predict the effect of missense changes on protein structure and function are either unavailable or do not agree on the potential impact of this missense change (SIFT: "Deleterious"; PolyPhen-2: "Possibly Damaging"; Align-GVGD: "Class C0"). ClinVar contains an entry for this variant (Variation ID: 522645). This variant has not been reported in the literature in individuals affected with SBF1-related conditions. This variant is present in population databases (no rsID available, gnomAD 0.002%). This sequence change replaces leucine, which is neutral and non-polar, with valine, which is neutral and non-polar, at codon 1460 of the SBF1 protein (p.Leu1460Val).

Genomic Research Center, Shahid Beheshti University of Medical Sciences
Classification: Likely pathogenic for Charcot-Marie-Tooth disease, type 4B3. Last evaluated: 2020-05-03. Review status: criteria provided, single submitter. Criteria: ACMG Guidelines, 2015. Collection method: clinical testing. Allele origin: unknown. Affected: yes.